The following is an entry in ClinVar:

NM_001273.5(CHD4):c.4674A>G (p.Pro1558=)

Genes: CHD4 (chromodomain helicase DNA binding protein 4; minus strand), CHD4-AS1 (CHD4 antisense RNA 1; plus strand). Cytogenetic location: 12p13.31.
Variant type: single nucleotide variant.
Coding change: c.4674A>G on transcript NM_001273.5 (MANE Select); coding-DNA position 4674, A replaced by G.
Protein change: p.Pro1558=; no amino-acid change (proline 1558 retained).
Molecular consequence: synonymous variant.
Genome position (GRCh38, 1-based): chr12:6,581,656, T>C on the plus strand (A>G on the coding strand, the complement: CHD4 is on the minus strand). VCF-style: chr12-6581656-T-C. GRCh37 (hg19) VCF-style: chr12-6690822-T-C.
Other names: c.4653A>G, p.Pro1551= (NM_001297553.2); c.4635A>G, p.Pro1545= (NM_001363606.2).
Identifiers: ClinVar variation 931924 (VCV000931924.3), dbSNP rs1948192528, ClinGen allele CA478121556.
Genomic context (GRCh38, chr12:6,581,656, plus strand): 5'-ATAGGCCAGGACAAAAAGAGAGGGACAGAAAATGATAGGACAGGCAGACTTACCAGCAGG[T>C]GGGACAGGTGCAGGAGTGTTGGGCTGCGTGTCCCCTGGAGTGGAGGGTGTAGGAGTTTTT-3'
Protein context (NP_001264.2, residues 1548-1568): DTQPNTPAPV[Pro1558=]PAEDGIKIEE

ClinVar aggregate classification (germline): Uncertain significance (1 of 4 stars; one submission).

Conditions:
Sifrim-Hitz-Weiss syndrome (SIHIWES). Also called: SIFRIM-HITZ-WEISS MULTIPLE CONGENITAL ANOMALIES-MENTAL RETARDATION SYNDROME; CHD4 Neurodevelopmental Disorder. Identifiers: Orphanet 653712, MedGen C4310688, MONDO:0014946, OMIM 617159.

Allele frequency attached by ClinVar (database versions not stated): gnomAD exomes below 0.00001.
gnomAD v4.1: 1 of 1,613,622 alleles (0.000062%); highest among the groups gnomAD compares: Non-Finnish European, 0.000085%; no homozygotes.

Submission:

Centre for Mendelian Genomics, University Medical Centre Ljubljana
Classification: Uncertain significance for Sifrim-Hitz-Weiss syndrome. Last evaluated: 2019-04-04. Review status: criteria provided, single submitter. Criteria: ACMG Guidelines, 2015. Collection method: clinical testing. Allele origin: unknown. Affected: yes.
Comment: This variant was classified as: Uncertain significance. The available evidence on this variant's pathogenicity is insufficient or conflicting. The following ACMG criteria were applied in classifying this variant: PM2.